The following is an entry in ClinVar:

ClinVar aggregate classification (germline): Uncertain significance (1 of 4 stars; one submission).

Conditions:
STING-associated vasculopathy with onset in infancy. Also called: Sting-associated vasculopathy, infantile-onset. Identifiers: Orphanet 425120, MedGen C4014722, MONDO:0014405, OMIM 615934.

Allele frequency attached by ClinVar (database versions not stated): gnomAD exomes below 0.00001; gnomAD 0.00001; TOPMed 0.00003.

Submission:

Labcorp Genetics (formerly Invitae), Labcorp
Classification: Uncertain significance for STING-associated vasculopathy with onset in infancy. Last evaluated: 2024-05-10. Review status: criteria provided, single submitter. Criteria: Invitae Variant Classification Sherloc (09022015). Collection method: clinical testing. Allele origin: germline.
Comment: This sequence change replaces glutamic acid, which is acidic and polar, with glycine, which is neutral and non-polar, at codon 282 of the TMEM173 protein (p.Glu282Gly). This variant is present in population databases (no rsID available, gnomAD 0.003%). This variant has not been reported in the literature in individuals affected with TMEM173-related conditions. ClinVar contains an entry for this variant (Variation ID: 966490). Advanced modeling of protein sequence and biophysical properties (such as structural, functional, and spatial information, amino acid conservation, physicochemical variation, residue mobility, and thermodynamic stability) performed at Invitae indicates that this missense variant is expected to disrupt TMEM173 protein function with a positive predictive value of 80%. In summary, the available evidence is currently insufficient to determine the role of this variant in disease. Therefore, it has been classified as a Variant of Uncertain Significance.

NM_198282.4(STING1):c.845A>G (p.Glu282Gly)

Gene: STING1 (stimulator of interferon response cGAMP interactor 1; minus strand). Cytogenetic location: 5q31.2.
Variant type: single nucleotide variant.
Coding change: c.845A>G on transcript NM_198282.4 (MANE Select); coding-DNA position 845, A replaced by G.
Protein change: p.Glu282Gly; replaces glutamic acid 282 with glycine.
Molecular consequence: missense variant. On other transcripts: intron variant (1).
Genome position (GRCh38, 1-based): chr5:139,477,430, T>C on the plus strand (A>G on the coding strand, the complement: STING1 is on the minus strand). VCF-style: chr5-139477430-T-C. GRCh37 (hg19) VCF-style: chr5-138857015-T-C.
Other names: c.488A>G, p.Glu163Gly (NM_001367258.1); c.759+840A>G (NM_001301738.2); short protein forms E163G, E282G.
Identifiers: ClinVar variation 966490 (VCV000966490.10), dbSNP rs1483629542, ClinGen allele CA361479617.